The following is an entry in ClinVar:

ClinVar aggregate classification (germline): Conflicting classifications of pathogenicity. Review status: criteria provided, conflicting classifications (1 of 4 stars). 4 submissions from 4 submitters: Uncertain significance (1); Likely benign (3). Last evaluated 2026-06-15.

Conditions:
Hereditary cancer-predisposing syndrome. Also called: Neoplastic Syndromes, Hereditary; Hereditary Cancer Syndrome; Hereditary neoplastic syndrome; Tumor predisposition. Identifiers: Orphanet 140162, MedGen C0027672, MeSH D009386, MONDO:0015356.

Allele frequency attached by ClinVar (database versions not stated): gnomAD exomes below 0.00001; gnomAD 0.00001; TOPMed 0.00001.
gnomAD v4.1: 3 of 1,587,986 alleles (0.00019%); highest among the groups gnomAD compares: Admixed American, 0.0057%; no homozygotes.

Submissions (4):

Women's Health and Genetics/Laboratory Corporation of America, LabCorp
Classification: Likely benign. Last evaluated: 2026-06-15. Review status: criteria provided, single submitter. Criteria: LabCorp Variant Classification Summary - May 2015. Collection method: clinical testing. Allele origin: germline.

Ambry Genetics
Classification: Uncertain significance for Hereditary cancer-predisposing syndrome. Last evaluated: 2026-01-08. Review status: criteria provided, single submitter. Criteria: Ambry Variant Classification Scheme 2023. Collection method: clinical testing. Allele origin: germline.
Comment: The c.4552-4C>G intronic variant results from a C to G substitution 4 nucleotides upstream from coding exon 36 in the POLE gene. This nucleotide position is not well conserved in available vertebrate species. In silico splice site analysis for this alteration is inconclusive. Based on the available evidence, the clinical significance of this variant remains unclear.

Labcorp Genetics (formerly Invitae), Labcorp
Classification: Likely benign. Last evaluated: 2025-10-01. Review status: criteria provided, single submitter. Criteria: Invitae Variant Classification Sherloc (09022015). Collection method: clinical testing. Allele origin: germline.

GeneDx
Classification: Likely benign. Last evaluated: 2019-02-22. Review status: criteria provided, single submitter. Criteria: GeneDx Variant Classification Process June 2021. Collection method: clinical testing. Allele origin: germline. Affected: yes.

NM_006231.4(POLE):c.4552-4C>G

Gene: POLE (DNA polymerase epsilon, catalytic subunit; minus strand). Cytogenetic location: 12q24.33.
Variant type: single nucleotide variant.
Coding change: c.4552-4C>G on transcript NM_006231.4 (MANE Select); 4 bases into the intron before coding-DNA position 4552, C replaced by G.
Molecular consequence: intron variant.
Genome position (GRCh38, 1-based): chr12:132,643,000, G>C on the plus strand (C>G on the coding strand, the complement: POLE is on the minus strand). VCF-style: chr12-132643000-G-C. GRCh37 (hg19) VCF-style: chr12-133219586-G-C.
Identifiers: ClinVar variation 515057 (VCV000515057.18), dbSNP rs913720556, ClinGen allele CA246304211.